The following is an entry in ClinVar:

ClinVar aggregate classification (germline): Uncertain significance (1 of 4 stars; one submission).

Conditions:
Rhabdoid tumor predisposition syndrome 2 (RTPS2). Identifiers: Orphanet 231108, Orphanet 69077, MedGen C2750074, MONDO:0013224, OMIM 613325.

gnomAD v4.1: 2 of 1,613,864 alleles (0.00012%); highest among the groups gnomAD compares: Non-Finnish European, 0.00017%; no homozygotes.

Submission:

Labcorp Genetics (formerly Invitae), Labcorp
Classification: Uncertain significance for Rhabdoid tumor predisposition syndrome 2. Last evaluated: 2025-03-04. Review status: criteria provided, single submitter. Criteria: Invitae Variant Classification Sherloc (09022015). Collection method: clinical testing. Allele origin: germline.
Comment: This sequence change replaces glycine, which is neutral and non-polar, with arginine, which is basic and polar, at codon 1673 of the SMARCA4 protein (p.Gly1673Arg). This variant is not present in population databases (gnomAD no frequency). This variant has not been reported in the literature in individuals affected with SMARCA4-related conditions. Experimental studies and prediction algorithms are not available or were not evaluated, and the functional significance of this variant is currently unknown. In summary, the available evidence is currently insufficient to determine the role of this variant in disease. Therefore, it has been classified as a Variant of Uncertain Significance.

NM_003072.5(SMARCA4):c.4921G>A (p.Gly1641Arg)

Gene: SMARCA4 (SWI/SNF related BAF chromatin remodeling complex subunit ATPase 4; plus strand). Cytogenetic location: 19p13.2.
Variant type: single nucleotide variant.
Coding change: c.4921G>A on transcript NM_003072.5 (MANE Select); coding-DNA position 4921, G replaced by A.
Protein change: p.Gly1641Arg; replaces glycine 1641 with arginine.
Molecular consequence: missense variant. On other transcripts: non-coding transcript variant (1).
Genome position (GRCh38, 1-based): chr19:11,061,793, G>A. VCF-style: chr19-11061793-G-A. GRCh37 (hg19) VCF-style: chr19-11172469-G-A.
Other names: c.4921G>A, p.Gly1641Arg (NM_001128844.3); c.4831G>A, p.Gly1611Arg (NM_001128845.2); c.4828G>A, p.Gly1610Arg (NM_001128846.2); c.4822G>A, p.Gly1608Arg (NM_001128847.4, NM_001374457.1); c.4819G>A, p.Gly1607Arg (NM_001128848.2); c.5017G>A, p.Gly1673Arg (NM_001128849.3, NM_001387283.1); c.4918G>A, p.Gly1640Arg (NM_001411150.1); short protein forms G1607R, G1608R, G1610R, G1611R, G1640R, G1641R, G1673R.
Identifiers: ClinVar variation 4802592 (VCV004802592.1).